The following is an entry in ClinVar:

ClinVar aggregate classification (germline): Uncertain significance. Review status: criteria provided, multiple submitters, no conflicts (2 of 4 stars). 3 submissions from 3 submitters: Uncertain significance (3). Last evaluated 2025-02-03.

Conditions:
Inborn genetic diseases. Identifiers: MedGen C0950123, MeSH D030342.

Allele frequency attached by ClinVar (database versions not stated): gnomAD exomes below 0.00001 and 0.00002; ExAC 0.00004; gnomAD 0.00005; TOPMed 0.00006.
gnomAD v4.1: 13 of 1,573,228 alleles (0.00083%); highest among the groups gnomAD compares: African/African-American, 0.015%; no homozygotes.

Submissions (3):

GeneDx
Classification: Uncertain significance. Last evaluated: 2025-02-03. Review status: criteria provided, single submitter. Criteria: GeneDx Variant Classification Process June 2021. Collection method: clinical testing. Allele origin: germline. Affected: yes.
Comment: In silico analysis supports that this missense variant has a deleterious effect on protein structure/function; Has not been previously published as pathogenic or benign to our knowledge

Labcorp Genetics (formerly Invitae), Labcorp
Classification: Uncertain significance. Last evaluated: 2021-08-06. Review status: criteria provided, single submitter. Criteria: Invitae Variant Classification Sherloc (09022015). Collection method: clinical testing. Allele origin: germline.
Comment: This sequence change replaces glutamic acid with alanine at codon 77 of the MYH14 protein (p.Glu77Ala). The glutamic acid residue is highly conserved and there is a moderate physicochemical difference between glutamic acid and alanine. This variant is present in population databases (rs748365469, ExAC 0.06%). This variant has not been reported in the literature in individuals affected with MYH14-related conditions. Algorithms developed to predict the effect of missense changes on protein structure and function (SIFT, PolyPhen-2, Align-GVGD) all suggest that this variant is likely to be disruptive. In summary, the available evidence is currently insufficient to determine the role of this variant in disease. Therefore, it has been classified as a Variant of Uncertain Significance.

Ambry Genetics
Classification: Uncertain significance for Inborn genetic diseases. Last evaluated: 2021-07-06. Review status: criteria provided, single submitter. Criteria: Ambry Variant Classification Scheme 2023. Collection method: clinical testing. Allele origin: germline.

NM_001145809.2(MYH14):c.230A>C (p.Glu77Ala)

Gene: MYH14 (myosin heavy chain 14; plus strand). Cytogenetic location: 19q13.33.
Variant type: single nucleotide variant.
Coding change: c.230A>C on transcript NM_001145809.2 (MANE Select); coding-DNA position 230, A replaced by C.
Protein change: p.Glu77Ala; replaces glutamic acid 77 with alanine.
Molecular consequence: missense variant.
Genome position (GRCh38, 1-based): chr19:50,210,595, A>C. VCF-style: chr19-50210595-A-C. GRCh37 (hg19) VCF-style: chr19-50713852-A-C.
Other names: c.230A>C (NM_024729.3); c.230A>C, p.Glu77Ala (NM_001077186.2, NM_024729.4); short protein forms E77A.
Identifiers: ClinVar variation 1373751 (VCV001373751.8), dbSNP rs748365469, ClinGen allele CA9592213.